The following is an entry in ClinVar:

ClinVar aggregate classification (germline): Likely benign (1 of 4 stars; one submission).

Allele frequency attached by ClinVar (database versions not stated): gnomAD exomes 0.00032; gnomAD 0.00348 and 0.00367; TOPMed 0.00414; 1000 Genomes Project 0.00519; 1000 Genomes Project 30x 0.00640.
gnomAD v4.1: 977 of 1,460,142 alleles (0.067%); highest among the groups gnomAD compares: African/African-American, 1.3%; 8 homozygotes.

Submission:

GeneDx
Classification: Likely benign. Last evaluated: 2021-12-22. Review status: criteria provided, single submitter. Criteria: GeneDx Variant Classification Process June 2021. Collection method: clinical testing. Allele origin: germline. Affected: yes.
Comment: See Variant Classification Assertion Criteria.

NM_002609.4(PDGFRB):c.3138-60T>C

Gene: PDGFRB (platelet derived growth factor receptor beta; minus strand). Cytogenetic location: 5q32.
Variant type: single nucleotide variant.
Coding change: c.3138-60T>C on transcript NM_002609.4 (MANE Select); 60 bases into the intron before coding-DNA position 3138, T replaced by C.
Molecular consequence: intron variant.
Genome position (GRCh38, 1-based): chr5:150,116,006, A>G on the plus strand (T>C on the coding strand, the complement: PDGFRB is on the minus strand). VCF-style: chr5-150116006-A-G. GRCh37 (hg19) VCF-style: chr5-149495569-A-G.
Other names: c.2946-60T>C (NM_001355016.2); c.2655-60T>C (NM_001355017.2).
Identifiers: ClinVar variation 1693084 (VCV001693084.2), dbSNP rs77607501, ClinGen allele CA129097021.